The following is an entry in ClinVar:

ClinVar aggregate classification (germline): Likely benign. Review status: criteria provided, single submitter (1 of 4 stars). 2 submissions from 2 submitters: Likely benign (1). 1 of the submissions does not count toward it. Last evaluated 2025-03-30.

Conditions:
ARID1B-Related Disorder. Identifiers: MedGen CN381337.

Allele frequency attached by ClinVar (database versions not stated): TOPMed below 0.00001; gnomAD exomes 0.00001.
gnomAD v4.1: 11 of 1,611,516 alleles (0.00068%); highest among the groups gnomAD compares: East Asian, 0.0022%; no homozygotes.

Submissions (2):

Labcorp Genetics (formerly Invitae), Labcorp
Classification: Likely benign. Last evaluated: 2025-03-30. Review status: criteria provided, single submitter. Criteria: Invitae Variant Classification Sherloc (09022015). Collection method: clinical testing. Allele origin: germline.

PreventionGenetics, part of Exact Sciences
Classification: Likely benign for ARID1B-related condition. Last evaluated: 2021-05-26. Review status: no assertion criteria provided. Collection method: clinical testing. Allele origin: germline. Not counted in ClinVar's aggregate classification.
Comment: This variant is classified as likely benign based on ACMG/AMP sequence variant interpretation guidelines (Richards et al. 2015 PMID: 25741868, with internal and published modifications).

NM_001374828.1(ARID1B):c.4428G>A (p.Ser1476=)

Gene: ARID1B (AT-rich interaction domain 1B; plus strand). Cytogenetic location: 6q25.3.
Variant type: single nucleotide variant.
Coding change: c.4428G>A on transcript NM_001374828.1 (MANE Select); coding-DNA position 4428, G replaced by A.
Protein change: p.Ser1476=; no amino-acid change (serine 1476 retained).
Molecular consequence: synonymous variant.
Genome position (GRCh38, 1-based): chr6:157,198,856, G>A. VCF-style: chr6-157198856-G-A. GRCh37 (hg19) VCF-style: chr6-157519990-G-A.
Other names: c.4179G>A, p.Ser1393= (NM_001346813.1); c.1929G>A, p.Ser643= (NM_001363725.2); c.4308G>A, p.Ser1436= (NM_001371656.1, NM_001374820.1); c.4269G>A, p.Ser1423= (NM_017519.3); c.4059G>A, p.Ser1353= (NM_020732.3); c.3846G>A, p.Ser1282= (NM_175863.2).
Identifiers: ClinVar variation 2149381 (VCV002149381.6), dbSNP rs1414405747, ClinGen allele CA452783941.